The following is an entry in ClinVar:

NM_000255.4(MMUT):c.1975C>T (p.Gln659Ter)

Gene: MMUT (methylmalonyl-CoA mutase; minus strand). Cytogenetic location: 6p12.3.
Variant type: single nucleotide variant.
Coding change: c.1975C>T on transcript NM_000255.4 (MANE Select); coding-DNA position 1975, C replaced by T.
Protein change: p.Gln659Ter; replaces glutamine 659 with a stop codon.
Molecular consequence: nonsense.
Genome position (GRCh38, 1-based): chr6:49,435,605, G>A on the plus strand (C>T on the coding strand, the complement: MMUT is on the minus strand). VCF-style: chr6-49435605-G-A. GRCh37 (hg19) VCF-style: chr6-49403318-G-A.
Other names: short protein forms Q659*.
Identifiers: ClinVar variation 222939 (VCV000222939.8), dbSNP rs879253848, ClinGen allele CA10575859.

ClinVar aggregate classification (germline): Pathogenic. Review status: criteria provided, multiple submitters, no conflicts (2 of 4 stars). 3 submissions from 3 submitters: Pathogenic (3). Last evaluated 2024-01-04.

Conditions:
Methylmalonic aciduria due to methylmalonyl-CoA mutase deficiency (MAMM). Also called: Methylmalonic aciduria, mut type. Identifiers: Orphanet 27, MedGen C1855114, MONDO:0009612, OMIM 251000.

Allele frequency attached by ClinVar (database versions not stated): gnomAD exomes below 0.00001.

Submissions (3):

Labcorp Genetics (formerly Invitae), Labcorp
Classification: Pathogenic. Last evaluated: 2024-01-04. Review status: criteria provided, single submitter. Criteria: Invitae Variant Classification Sherloc (09022015). Collection method: clinical testing. Allele origin: germline.
Comment: This sequence change creates a premature translational stop signal (p.Gln659*) in the MUT gene. It is expected to result in an absent or disrupted protein product. Loss-of-function variants in MUT are known to be pathogenic (PMID: 15781192). This variant is not present in population databases (gnomAD no frequency). This premature translational stop signal has been observed in individual(s) with methylmalonic aciduria (PMID: 27167370, 27233228). ClinVar contains an entry for this variant (Variation ID: 222939). For these reasons, this variant has been classified as Pathogenic.

Fulgent Genetics
Classification: Pathogenic for Methylmalonic aciduria due to methylmalonyl-CoA mutase deficiency. Last evaluated: 2022-01-17. Review status: criteria provided, single submitter. Criteria: ACMG Guidelines, 2015. Collection method: clinical testing. Allele origin: unknown.

University Children's Hospital, University of Zurich
Classification: Pathogenic for Methylmalonic aciduria due to methylmalonyl-CoA mutase deficiency. Review status: criteria provided, single submitter. Criteria: Forny et al. (Hum Mutat. 2016). Collection method: clinical testing. Allele origin: germline. Inheritance: Autosomal recessive inheritance. Affected: yes.

Literature cited by the submitters: PubMed 15781192 (cited by Labcorp Genetics (formerly Invitae), Labcorp); PubMed 27167370 (cited by Labcorp Genetics (formerly Invitae), Labcorp); PubMed 27233228 (cited by Labcorp Genetics (formerly Invitae), Labcorp); PubMed 25736335 (cited by University Children's Hospital, University of Zurich).